The following is an entry in ClinVar:

ClinVar aggregate classification (germline): Pathogenic (1 of 4 stars; one submission).

Submission:

Labcorp Genetics (formerly Invitae), Labcorp
Classification: Pathogenic. Last evaluated: 2026-02-01. Review status: criteria provided, single submitter. Criteria: Invitae Variant Classification Sherloc (09022015). Collection method: clinical testing. Allele origin: germline.
Comment: This sequence change creates a premature translational stop signal (p.Val148Serfs*22) in the ACAN gene. It is expected to result in an absent or disrupted protein product. Loss-of-function variants in ACAN are known to be pathogenic (PMID: 16080123, 24762113). This variant is not present in population databases (gnomAD no frequency). This variant has not been reported in the literature in individuals affected with ACAN-related conditions. For these reasons, this variant has been classified as Pathogenic.

Literature cited by the submitters: PubMed 16080123; PubMed 24762113.

NM_001369268.1(ACAN):c.441dup (p.Val148fs)

Gene: ACAN (aggrecan; plus strand). Cytogenetic location: 15q26.1.
Variant type: Duplication.
Coding change: c.441dup on transcript NM_001369268.1 (MANE Select); coding-DNA position 441, one base duplicated (A; older notation c.441dupA).
Protein change: p.Val148fs; shifts the reading frame from valine 148.
Molecular consequence: frameshift variant.
Genome position (GRCh38, 1-based): chr15:88,839,033, A duplicated; the last of 2 consecutive A bases (chr15:88,839,032-88,839,033); duplicating either gives the same sequence. VCF-style (leftmost placement, unchanged base first): chr15-88839031-G-GA. GRCh37 (hg19) VCF-style: chr15-89382262-G-GA.
Other names: c.441dup, p.Val148fs (NM_001135.4, NM_001411096.1, NM_001411097.1 and 1 more transcripts); short protein forms V148fs.
Identifiers: ClinVar variation 4735863 (VCV004735863.1).